The following is an entry in ClinVar:

NM_001943.5(DSG2):c.1491C>T (p.Pro497=)

Gene: DSG2 (desmoglein 2; plus strand). Cytogenetic location: 18q12.1.
Variant type: single nucleotide variant.
Coding change: c.1491C>T on transcript NM_001943.5 (MANE Select); coding-DNA position 1491, C replaced by T.
Protein change: p.Pro497=; no amino-acid change (proline 497 retained).
Molecular consequence: synonymous variant.
Genome position (GRCh38, 1-based): chr18:31,536,269, C>T. VCF-style: chr18-31536269-C-T. GRCh37 (hg19) VCF-style: chr18-29116232-C-T.
Other names: p.P497P:CCC>CCT; c.1491C>T (LRG_397t1).
Identifiers: ClinVar variation 137164 (VCV000137164.20), dbSNP rs587780928, ClinGen allele CA021428.

ClinVar aggregate classification (germline): Benign/Likely benign. Review status: criteria provided, multiple submitters, no conflicts (2 of 4 stars). 7 submissions from 7 submitters: Benign (1); Likely benign (6). Last evaluated 2026-01-11.

Conditions:
Cardiovascular phenotype. Identifiers: MedGen CN230736.
Arrhythmogenic right ventricular cardiomyopathy (ARVD). Also called: Arrhythmogenic cardiomyopathy; Arrhythmogenic Right Ventricular Cardiomyopathy (ARVC); Cardiomyopathy, ARVC; Arrhythmogenic right ventricular dysplasia. Identifiers: Orphanet 247, MedGen C0349788, MeSH D019571, MONDO:0016587. Disease mechanism: loss of function. Inheritance: Various modes of inheritance.
Cardiomyopathy (CMYO). Also called: Cardiomyopathies. Identifiers: Orphanet 167848, MedGen C0878544, MONDO:0004994, HP:0001638. Inheritance: Various modes of inheritance.
Arrhythmogenic right ventricular dysplasia 10. Also called: Arrhythmogenic right ventricular dysplasia/cardiomyopathy, type 10; ARRHYTHMOGENIC RIGHT VENTRICULAR DYSPLASIA, FAMILIAL, 10; Arrhythmogenic Right Ventricular Dysplasia/Cardiomyopathy10. Identifiers: MedGen C1857777, MONDO:0012434, OMIM 610193.

Allele frequency attached by ClinVar (database versions not stated): ExAC 0.00002; gnomAD exomes 0.00003; gnomAD 0.00006; TOPMed 0.00006.
gnomAD v4.1: 66 of 1,614,082 alleles (0.0041%); highest among the groups gnomAD compares: African/African-American, 0.0093%; no homozygotes.

Submissions (7):

Labcorp Genetics (formerly Invitae), Labcorp
Classification: Likely benign for Arrhythmogenic right ventricular dysplasia 10. Last evaluated: 2026-01-11. Review status: criteria provided, single submitter. Criteria: Invitae Variant Classification Sherloc (09022015). Collection method: clinical testing. Allele origin: germline.

Blueprint Genetics
Classification: Likely benign. Last evaluated: 2024-03-04. Review status: criteria provided, single submitter. Criteria: ACMG Guidelines, 2015. Collection method: clinical testing. Allele origin: germline.

All of Us Research Program, National Institutes of Health
Classification: Likely benign for Arrhythmogenic right ventricular cardiomyopathy. Last evaluated: 2023-11-30. Review status: criteria provided, single submitter. Criteria: ACMG Guidelines, 2015. Collection method: clinical testing. Allele origin: germline. Inheritance: Autosomal dominant inheritance. Observed: 10 variant alleles, 10 heterozygotes.
Comment: This study involves interpretation of variants in research participants for the purpose of population health screening. Participant phenotype was not available at the time of variant classification. Additional details can be found in publication PMID: 35346344, PMCID: PMC8962531

Women's Health and Genetics/Laboratory Corporation of America, LabCorp
Classification: Likely benign. Last evaluated: 2023-07-30. Review status: criteria provided, single submitter. Criteria: LabCorp Variant Classification Summary - May 2015. Collection method: clinical testing. Allele origin: germline.

Color Diagnostics, LLC DBA Color Health
Classification: Likely benign for Cardiomyopathy. Last evaluated: 2019-01-27. Review status: criteria provided, single submitter. Criteria: ACMG Guidelines, 2015. Collection method: clinical testing. Allele origin: germline.

Ambry Genetics
Classification: Likely benign for Cardiovascular phenotype. Last evaluated: 2015-12-30. Review status: criteria provided, single submitter. Criteria: Ambry Variant Classification Scheme 2023. Collection method: clinical testing. Allele origin: germline.

GeneDx
Classification: Benign. Last evaluated: 2014-03-21. Review status: criteria provided, single submitter. Criteria: GeneDx Variant Classification (06012015). Collection method: clinical testing. Allele origin: germline. Affected: yes.
Comment: This variant is considered likely benign or benign based on one or more of the following criteria: it is a conservative change, it occurs at a poorly conserved position in the protein, it is predicted to be benign by multiple in silico algorithms, and/or has population frequency not consistent with disease.